The following is an entry in ClinVar:

NM_182961.4(SYNE1):c.18658C>A (p.Arg6220Ser)

Gene: SYNE1 (spectrin repeat containing nuclear envelope protein 1; minus strand). Cytogenetic location: 6q25.2.
Variant type: single nucleotide variant.
Coding change: c.18658C>A on transcript NM_182961.4 (MANE Select); coding-DNA position 18658, C replaced by A.
Protein change: p.Arg6220Ser; replaces arginine 6220 with serine.
Molecular consequence: missense variant.
Genome position (GRCh38, 1-based): chr6:152,269,202, G>T on the plus strand (C>A on the coding strand, the complement: SYNE1 is on the minus strand). VCF-style: chr6-152269202-G-T. GRCh37 (hg19) VCF-style: chr6-152590337-G-T.
Other names: c.18445C>A, p.Arg6149Ser (NM_033071.5); short protein forms R6220S, R6149S.
Identifiers: ClinVar variation 290091 (VCV000290091.20), dbSNP rs201685248, ClinGen allele CA4054899.

ClinVar aggregate classification (germline): Uncertain significance. Review status: criteria provided, multiple submitters, no conflicts (2 of 4 stars). 8 submissions from 8 submitters: Uncertain significance (6). 2 of the submissions do not count toward it. Last evaluated 2025-09-10.

Conditions:
Emery-Dreifuss muscular dystrophy 4, autosomal dominant (EDMD4). Also called: EMERY-DREIFUSS MUSCULAR DYSTROPHY 4 WITH VARIABLE FEATURES. Identifiers: Orphanet 261, MedGen C2751807, MONDO:0013071, OMIM 612998.
Autosomal recessive ataxia, Beauce type. Also called: SYNE1 Deficiency; ATAXIA, RECESSIVE, OF BEAUCE; SYNE1-Related Autosomal Recessive Cerebellar Ataxia; Spinocerebellar ataxia, autosomal recessive 8. Identifiers: Orphanet 88644, MedGen C1853116, MONDO:0012549, OMIM 610743.

Allele frequency attached by ClinVar (database versions not stated): TOPMed 0.00006.
gnomAD v4.1: 167 of 1,614,038 alleles (0.01%); highest among the groups gnomAD compares: Middle Eastern, 0.16%; no homozygotes.

Submissions (8):

Labcorp Genetics (formerly Invitae), Labcorp
Classification: Uncertain significance for Emery-Dreifuss muscular dystrophy 4, autosomal dominant; Autosomal recessive ataxia, Beauce type. Last evaluated: 2025-09-10. Review status: criteria provided, single submitter. Criteria: Invitae Variant Classification Sherloc (09022015). Collection method: clinical testing. Allele origin: germline.
Comment: This sequence change replaces arginine, which is basic and polar, with serine, which is neutral and polar, at codon 6149 of the SYNE1 protein (p.Arg6149Ser). This variant is present in population databases (rs201685248, gnomAD 0.05%). This missense change has been observed in individual(s) with Emery-Dreifuss muscular dystrophy (PMID: 34602496). ClinVar contains an entry for this variant (Variation ID: 290091). An algorithm developed to predict the effect of missense changes on protein structure and function (PolyPhen-2) suggests that this variant is likely to be disruptive. In summary, the available evidence is currently insufficient to determine the role of this variant in disease. Therefore, it has been classified as a Variant of Uncertain Significance.

GeneDx
Classification: Uncertain significance. Last evaluated: 2024-07-20. Review status: criteria provided, single submitter. Criteria: GeneDx Variant Classification Process June 2021. Collection method: clinical testing. Allele origin: germline. Affected: yes.
Comment: In silico analysis supports that this missense variant has a deleterious effect on protein structure/function; Reported previously in a child with Emery-Dreifuss Muscular Dystrophy 4; however it is unclear if the individual was heterozygous or homozygous for the variant (PMID: 34602496); This variant is associated with the following publications: (PMID: 34602496)

Blueprint Genetics
Classification: Uncertain significance. Last evaluated: 2024-06-10. Review status: criteria provided, single submitter. Criteria: ACMG Guidelines, 2015. Collection method: clinical testing. Allele origin: germline.

Revvity Omics, Revvity
Classification: Uncertain significance. Last evaluated: 2024-05-22. Review status: criteria provided, single submitter. Criteria: ACMG Guidelines, 2015. Collection method: clinical testing. Allele origin: germline.

Eurofins Ntd Llc (ga)
Classification: Uncertain significance. Last evaluated: 2017-08-17. Review status: criteria provided, single submitter. Criteria: EGL Classification Definitions 2015. Collection method: clinical testing. Allele origin: germline. Observed: 3 variant alleles, 3 heterozygotes.

Athena Diagnostics
Classification: Uncertain significance. Last evaluated: 2016-11-02. Review status: criteria provided, single submitter. Criteria: Athena Diagnostics Criteria. Collection method: clinical testing. Allele origin: germline.

Clinical Genetics DNA and cytogenetics Diagnostics Lab, Erasmus MC, Erasmus Medical Center
Classification: Uncertain significance. Review status: no assertion criteria provided. Collection method: clinical testing. Allele origin: germline. Affected: yes. Study: VKGL Data-share Consensus. Not counted in ClinVar's aggregate classification.

Clinical Genetics, Academic Medical Center
Classification: Uncertain significance. Review status: no assertion criteria provided. Collection method: clinical testing. Allele origin: germline. Affected: yes. Study: VKGL Data-share Consensus. Not counted in ClinVar's aggregate classification.

Literature cited by the submitters: PubMed 34602496 (cited by Labcorp Genetics (formerly Invitae), Labcorp).